The following is an entry in ClinVar:

NM_001164508.2(NEB):c.2106+3A>C

Gene: NEB (nebulin; minus strand). Cytogenetic location: 2q23.3.
Variant type: single nucleotide variant.
Coding change: c.2106+3A>C on transcript NM_001164508.2 (MANE Select); 3 bases into the intron after coding-DNA position 2106, A replaced by C.
Molecular consequence: intron variant.
Genome position (GRCh38, 1-based): chr2:151,692,056, T>G on the plus strand (A>C on the coding strand, the complement: NEB is on the minus strand). VCF-style: chr2-151692056-T-G. GRCh37 (hg19) VCF-style: chr2-152548570-T-G.
Other names: c.2106+3A>C (NM_004543.5, NM_001164507.2, NM_001271208.2).
Identifiers: ClinVar variation 555744 (VCV000555744.4), dbSNP rs1553589058, ClinGen allele CA658823143.
Genomic context (GRCh38, chr2:151,692,056, plus strand): 5'-CATGATTGTTATGGCTCTCAAACAATGTCACTGTGAGGCATGAACCATTGTCTTCAAACT[T>G]ACATCACTGTTTTGAGCTGCAACTTTCATGCAGTGTGTGTGATATGGGTCCTCCATGCTG-3'

ClinVar aggregate classification (germline): Conflicting classifications of pathogenicity. Review status: criteria provided, conflicting classifications (1 of 4 stars). 3 submissions from 3 submitters: Likely pathogenic (1); Uncertain significance (1). 1 of the submissions does not count toward it. Last evaluated 2026-03-11.

Conditions:
Nemaline myopathy. Also called: Myopathies, Nemaline. Identifiers: Orphanet 607, MedGen C0206157, MONDO:0018958.
Nemaline myopathy 2 (NEM2). Also called: Nemaline myopathy 2, autosomal recessive. Identifiers: MedGen C1850569, MONDO:0009725, OMIM 256030.

Allele frequency attached by ClinVar (database versions not stated): gnomAD exomes below 0.00001.
gnomAD v4.1: 4 of 1,613,276 alleles (0.00025%); highest among the groups gnomAD compares: Non-Finnish European, 0.00034%; no homozygotes.

Submissions (3):

Myriad Genetics, Inc.
Classification: Uncertain significance for Nemaline myopathy 2. Last evaluated: 2026-03-11. Review status: criteria provided, single submitter. Criteria: Myriad Autosomal Dominant, Autosomal Recessive and X-Linked Classification Criteria (2023). Collection method: clinical testing. Allele origin: unknown.
Comment: NM_001271208.1(NEB):c.2106+3A>C is an intronic variant classified as a variant of uncertain significance in the context of NEB-related nemaline myopathy. c.2106+3A>C has been observed in cases with relevant disease (PMID: 33333461, 21350120). Relevant functional assessments of this variant are available in the literature (PMID: 21350120). c.2106+3A>C has not been observed in referenced population frequency databases. In summary, there is insufficient evidence to classify NM_001271208.1(NEB):c.2106+3A>C as pathogenic or benign. Please note: this variant was assessed in the context of healthy population screening.

Broad Center for Mendelian Genomics, Broad Institute of MIT and Harvard
Classification: Likely pathogenic for Nemaline myopathy. Last evaluated: 2025-03-21. Review status: criteria provided, single submitter. Criteria: ACMG Guidelines, 2015. Collection method: curation. Allele origin: germline. Inheritance: Autosomal recessive inheritance.
Comment: The c.2106+3A>C variant in NEB has been reported in 2 affected individuals with nemaline myopathy (PMID: 21350120, 33333461), and has been identified in 0.0003% (4/1179222) of European (non-Finnish) chromosomes by the Genome Aggregation Database (gnomAD; dbSNP ID: rs1553589058). Although this variant has been seen in the general population in a heterozygous state, its frequency is low enough to be consistent with a recessive carrier frequency. This variant has also been reported in ClinVar (Variation ID: 555744) and has been interpreted as a variant of uncertain significance by Counsyl. Of the 2 affected individuals, one was a compound heterozygote that carried a reported pathogenic/likely pathogenic variant in trans, which increases the likelihood that the c.2106+3A>C variant is pathogenic (Variation ID: 190457; PMID: 21350120). RNAseq analysis performed on affected tissue shows skipping of exon 22 (PMID: 21350120). This variant is located in the 3‚Äô splice region. Computational tools do suggest an impact to splicing. However, this information is not predictive enough to determine/rule out pathogenicity. Loss of function of the NEB gene is an established disease mechanism in autosomal recessive nemaline myopathy. The phenotype of an individual heterozygous for this variant is highly specific for nemaline myopathy based on the presence of nemaline rods on a muscle biopsy consistent with disease (PMID: 21350120). In summary, although additional studies are required to fully establish its clinical significance, this variant is likely pathogenic for autosomal recessive nemaline myopathy. ACMG/AMP Criteria applied: PVS1_moderate, PM3, PP4, PM2_supporting (Richards 2015).

Counsyl
Classification: Uncertain significance for Nemaline myopathy 2. Last evaluated: 2017-12-20. Review status: no assertion criteria provided. Collection method: clinical testing. Allele origin: unknown. Not counted in ClinVar's aggregate classification.

Literature cited by the submitters: PubMed 21350120 (cited by Myriad Genetics, Inc. and Counsyl); PubMed 33333461 (cited by Myriad Genetics, Inc.); PubMed 25205138 (cited by Counsyl).